The following is an entry in ClinVar:

NM_001042492.3(NF1):c.327G>A (p.Leu109=)

Gene: NF1 (neurofibromin 1; plus strand). Cytogenetic location: 17q11.2.
Variant type: single nucleotide variant.
Coding change: c.327G>A on transcript NM_001042492.3 (MANE Select); coding-DNA position 327, G replaced by A.
Protein change: p.Leu109=; no amino-acid change (leucine 109 retained).
Molecular consequence: synonymous variant.
Genome position (GRCh38, 1-based): chr17:31,163,224, G>A. VCF-style: chr17-31163224-G-A. GRCh37 (hg19) VCF-style: chr17-29490242-G-A.
Other names: c.327G>A, p.Leu109= (NM_000267.4, NM_001128147.3).
Identifiers: ClinVar variation 1128657 (VCV001128657.10), dbSNP rs2143671003, ClinGen allele CA499200193.

ClinVar aggregate classification (germline): Benign/Likely benign. Review status: criteria provided, multiple submitters, no conflicts (2 of 4 stars). 3 submissions from 3 submitters: Benign (1); Likely benign (2). Last evaluated 2026-09-29.

Conditions:
Cardiovascular phenotype. Identifiers: MedGen CN230736.
Hereditary cancer-predisposing syndrome. Also called: Hereditary Cancer Syndrome; Hereditary neoplastic syndrome; Neoplastic Syndromes, Hereditary; Tumor predisposition. Identifiers: Orphanet 140162, MedGen C0027672, MeSH D009386, MONDO:0015356.
Neurofibromatosis, type 1 (NF1). Also called: Neurofibromatosis, type I; VON RECKLINGHAUSEN DISEASE; Peripheral type neurofibromatosis; NEUROFIBROMATOSIS, TYPE I, SOMATIC. Identifiers: Orphanet 636, MedGen C0027831, MONDO:0018975, OMIM 162200. Disease mechanism: loss of function.

Submissions (3):

Myriad Genetics, Inc.
Classification: Benign for Neurofibromatosis, type 1. Last evaluated: 2026-09-29. Review status: criteria provided, single submitter. Criteria: Myriad Autosomal Dominant, Autosomal Recessive and X-Linked Classification Criteria (2023). Collection method: clinical testing. Allele origin: unknown.
Comment: This variant is considered benign. This variant is a silent/synonymous amino acid change and it is not expected to impact splicing.

Labcorp Genetics (formerly Invitae), Labcorp
Classification: Likely benign for Neurofibromatosis, type 1. Last evaluated: 2025-12-28. Review status: criteria provided, single submitter. Criteria: Invitae Variant Classification Sherloc (09022015). Collection method: clinical testing. Allele origin: germline.

Ambry Genetics
Classification: Likely benign for Cardiovascular phenotype; Hereditary cancer-predisposing syndrome. Last evaluated: 2021-12-20. Review status: criteria provided, single submitter. Criteria: Ambry Variant Classification Scheme 2023. Collection method: clinical testing. Allele origin: germline.